The following is an entry in ClinVar:

NM_022114.4(PRDM16):c.2395G>C (p.Glu799Gln)

Gene: PRDM16 (PR/SET domain 16; plus strand). Cytogenetic location: 1p36.32.
Variant type: single nucleotide variant.
Coding change: c.2395G>C on transcript NM_022114.4 (MANE Select); coding-DNA position 2395, G replaced by C.
Protein change: p.Glu799Gln; replaces glutamic acid 799 with glutamine.
Molecular consequence: missense variant.
Genome position (GRCh38, 1-based): chr1:3,412,592, G>C. VCF-style: chr1-3412592-G-C. GRCh37 (hg19) VCF-style: chr1-3329156-G-C.
Other names: c.2395G>C, p.Glu799Gln (NM_199454.3); short protein forms E799Q.
Identifiers: ClinVar variation 4739490 (VCV004739490.1).

ClinVar aggregate classification (germline): Uncertain significance (1 of 4 stars; one submission).

Conditions:
Left ventricular noncompaction 8 (LVNC8). Identifiers: Orphanet 154, Orphanet 54260, MedGen C3809288, MONDO:0014152, OMIM 615373.

Submission:

Labcorp Genetics (formerly Invitae), Labcorp
Classification: Uncertain significance for Left ventricular noncompaction 8. Last evaluated: 2025-08-25. Review status: criteria provided, single submitter. Criteria: Invitae Variant Classification Sherloc (09022015). Collection method: clinical testing. Allele origin: germline.
Comment: This sequence change replaces glutamic acid, which is acidic and polar, with glutamine, which is neutral and polar, at codon 799 of the PRDM16 protein (p.Glu799Gln). This variant is not present in population databases (gnomAD no frequency). This variant has not been reported in the literature in individuals affected with PRDM16-related conditions. An algorithm developed to predict the effect of missense changes on protein structure and function (PolyPhen-2) suggests that this variant is likely to be tolerated. In summary, the available evidence is currently insufficient to determine the role of this variant in disease. Therefore, it has been classified as a Variant of Uncertain Significance.